The following is an entry in ClinVar:

NC_000008.10:g.(?_30981889)_(30989970_?)del

Gene: WRN (WRN RecQ like helicase; plus strand). Cytogenetic location: 8p12.
Variant type: Deletion.
Identifiers: ClinVar variation 3245426 (VCV003245426.1).

ClinVar aggregate classification (germline): Likely pathogenic (1 of 4 stars; one submission).

Conditions:
Werner syndrome (WRN). Identifiers: Orphanet 902, MedGen C0043119, MONDO:0010196, OMIM 277700.

Submission:

Labcorp Genetics (formerly Invitae), Labcorp
Classification: Likely pathogenic for Werner syndrome. Last evaluated: 2023-02-06. Review status: criteria provided, single submitter. Criteria: Invitae Variant Classification Sherloc (09022015). Collection method: clinical testing. Allele origin: unknown.
Comment: This variant results in the deletion of exons 22-23 and part of exon 24 (c.2631-149_2915del) of the WRN gene. It is expected to disrupt RNA splicing. Variants that disrupt the donor or acceptor splice site typically lead to a loss of protein function (PMID: 16199547), and loss-of-function variants in WRN are known to be pathogenic (PMID: 16673358). This variant has not been reported in the literature in individuals affected with WRN-related conditions. In summary, the currently available evidence indicates that the variant is pathogenic, but additional data are needed to prove that conclusively. Therefore, this variant has been classified as Likely Pathogenic.

Literature cited by the submitters: PubMed 16199547; PubMed 16673358.